The following continues an entry in ClinVar:

NM_002470.4(MYH3):c.-9+1G>A

Gene: MYH3. ClinVar aggregate classification (germline): Pathogenic/Likely pathogenic. Pathogenic (11); Likely pathogenic (3).

Submissions 11 to 16 of 16:

Illumina Laboratory Services, Illumina
Classification: Likely pathogenic for MYH3-related disorder. Last evaluated: 2023-08-08. Review status: criteria provided, single submitter. Criteria: ICSLVariantClassificationCriteria RUGD 01 April 2020. Collection method: clinical testing. Allele origin: unknown.
Comment: The MYH3 c.-9+1G>A variant results in a substitution at a consensus splice donor site that has been shown to result in abnormal splicing with an increase in transcripts lacking exon 2 (PMID: 29805041). This variant was identified in a compound heterozygous state in at least 9 individuals with spondylocarpotarsal synostosis, multiple pterygium syndrome (MPS), and vertebral fusions, arthrogryposis and multiple pterygia (PMID: 29805041; 34440395; 35169139). The highest frequency of this allele in the Genome Aggregation Database is 0.010640 in the European (Finnish) population, however, this variant is not found in the homozygous state but is flagged as low confidence (version 2.1.1). Functional studies conducted in human cell lines demonstrated that transcripts containing the c.-9+1G>A variant lacking exon 2 display a reduced translational efficiency of 54% compared to wild-type (PMID: 29805041). Based on the available evidence, the c.-9+1G>A variant is classified as likely pathogenic for MYH3-related disorders.

CeGaT Center for Human Genetics Tuebingen
Classification: Likely pathogenic. Last evaluated: 2023-03-01. Review status: criteria provided, single submitter. Criteria: CeGaT Center For Human Genetics Tuebingen Variant Classification Criteria Version 2. Collection method: clinical testing. Allele origin: germline. Affected: yes. Observed: 1 variant allele.
Comment: MYH3: PM3:Strong, PM2:Supporting, PS3:Supporting

Clinical Genetics Group, University of Otago
Classification: Pathogenic for Spondylocarpotarsal synostosis syndrome; Contractures, pterygia, and spondylocarpotarsal fusion syndrome 1A. Last evaluated: 2018-04-09. Review status: criteria provided, single submitter. Criteria: Cameron-Christie et al. (Am J Hum Genet. 2018). Collection method: clinical testing. Allele origin: maternal, inherited. Inheritance: Autosomal recessive inheritance. Affected: yes. Observed: 6 compound heterozygotes. Clinical features observed: Thoracic vertebral fusion, Carpal/tarsal fusion, Dysmorphism, Normal neck length, Scoliosis, Webbing of elbows, knees and fingers, Absent finger flexion creases, No dysmorphism, Short neck, Webbing of fingers, Contractures of elbows and hips, Thoracic, lumbar and sacral vertebral fusion, and 4 more.

Kasturba Medical College, Manipal, Kasturba Medical College, Manipal, Manipal Academy of Higher Education, Manipal, India
Classification: Likely pathogenic for Contractures, pterygia, and variable skeletal fusions syndrome 1B. Review status: criteria provided, single submitter. Criteria: ACMG Guidelines, 2015. Collection method: clinical testing. Allele origin: unknown. Affected: yes.
Comment: This variant affects the canonical donor splice site at the untranslated boundary between exon 2 and intron 2, leading to reduced translational efficiency (Zhao et a., 2022).

OMIM
Classification: Pathogenic for CONTRACTURES, PTERYGIA, AND SPONDYLOCARPOTARSAL FUSION SYNDROME 1B. Last evaluated: 2020-02-27. Review status: no assertion criteria provided. Collection method: literature only. Allele origin: germline. Not counted in ClinVar's aggregate classification.

Reproductive Health Research and Development, BGI Genomics
Classification: Pathogenic for Distal arthrogryposis type 8. Last evaluated: 2020-01-06. Review status: no assertion criteria provided. Collection method: curation. Allele origin: germline. Not counted in ClinVar's aggregate classification.
Comment: NG_011537.1(NM_002470.3):c.-9+1G>A in the MYH3 gene has an allele frequency of 0.011 in European(Finnish) subpopulation in the gnomAD database. This variant is predicted to cause loss of normal protein function either through protein truncation or nonsense-mediated mRNA decay. It was detected in multiple individuals with autosomal recessive Spondylocarpotarsal Synostosis Syndrome, compound heterozygous with c.4647+1G>A, c.141T>G, deletion of intron 12 and exon 25 (PMID: 29805041).Taken together, we interprete this variant as Pathogenic/Likely pathogenic. ACMG/AMP criteria applied: PVS1; PM3_Strong.

Literature cited by the submitters: PubMed 29805041 (cited by 7 submitters); PubMed 32902138 (cited by 4 submitters); PubMed 17576681 (cited by Labcorp Genetics (formerly Invitae), Labcorp); PubMed 9536098 (cited by Labcorp Genetics (formerly Invitae), Labcorp); PubMed 35169139 (cited by 3 submitters); PubMed 33726816 (cited by Women's Health and Genetics/Laboratory Corporation of America, LabCorp); PubMed 34440395 (cited by 3 submitters); PubMed 34204301 (cited by Women's Health and Genetics/Laboratory Corporation of America, LabCorp).